The following is an entry in ClinVar:

NM_030928.4(CDT1):c.1333G>A (p.Glu445Lys)

Gene: CDT1 (chromatin licensing and DNA replication factor 1; plus strand). Cytogenetic location: 16q24.3.
Variant type: single nucleotide variant.
Coding change: c.1333G>A on transcript NM_030928.4 (MANE Select); coding-DNA position 1333, G replaced by A.
Protein change: p.Glu445Lys; replaces glutamic acid 445 with lysine.
Molecular consequence: missense variant.
Genome position (GRCh38, 1-based): chr16:88,807,338, G>A. VCF-style: chr16-88807338-G-A. GRCh37 (hg19) VCF-style: chr16-88873746-G-A.
Other names: c.1333G>A (NM_030928.3); short protein forms E445K.
Identifiers: ClinVar variation 3713433 (VCV003713433.2).
Genomic context (GRCh38, chr16:88,807,338, plus strand): 5'-CAGATCCGAGCCAAGGAGGCACAGAAGCAGCTGGCACAGATGACGCGGTGCCCGGAGCAG[G>A]AGCAGCGGCTGCAGCGCTTAGAACGGCTGCCTGAGCTGGCCCGCGTGCTGCGGAGCGTCT-3'
Protein context (NP_112190.2, residues 435-455): LAQMTRCPEQ[Glu445Lys]QRLQRLERLP

ClinVar aggregate classification (germline): Uncertain significance. Review status: criteria provided, multiple submitters, no conflicts (2 of 4 stars). 2 submissions from 2 submitters: Uncertain significance (2). Last evaluated 2025-04-20.

Conditions:
Inborn genetic diseases. Identifiers: MedGen C0950123, MeSH D030342.

gnomAD v4.1: 15 of 1,612,510 alleles (0.00093%); highest among the groups gnomAD compares: African/African-American, 0.0027%; no homozygotes.

Submissions (2):

Ambry Genetics
Classification: Uncertain significance for Inborn genetic diseases. Last evaluated: 2025-04-20. Review status: criteria provided, single submitter. Criteria: Ambry Variant Classification Scheme 2023. Collection method: clinical testing. Allele origin: germline.

Labcorp Genetics (formerly Invitae), Labcorp
Classification: Uncertain significance. Last evaluated: 2024-08-14. Review status: criteria provided, single submitter. Criteria: Invitae Variant Classification Sherloc (09022015). Collection method: clinical testing. Allele origin: germline.
Comment: This sequence change replaces glutamic acid, which is acidic and polar, with lysine, which is basic and polar, at codon 445 of the CDT1 protein (p.Glu445Lys). This variant is present in population databases (rs780734780, gnomAD 0.006%). This variant has not been reported in the literature in individuals affected with CDT1-related conditions. An algorithm developed to predict the effect of missense changes on protein structure and function (PolyPhen-2) suggests that this variant is likely to be disruptive. In summary, the available evidence is currently insufficient to determine the role of this variant in disease. Therefore, it has been classified as a Variant of Uncertain Significance.